The following is an entry in ClinVar:

NM_015365.3(AMMECR1):c.526A>G (p.Ile176Val)

Gene: AMMECR1 (AMMECR nuclear protein 1; minus strand). Cytogenetic location: Xq23.
Variant type: single nucleotide variant.
Coding change: c.526A>G on transcript NM_015365.3 (MANE Select); coding-DNA position 526, A replaced by G.
Protein change: p.Ile176Val; replaces isoleucine 176 with valine.
Molecular consequence: missense variant. On other transcripts: intron variant (1).
Genome position (GRCh38, 1-based): chrX:110,264,547, T>C on the plus strand (A>G on the coding strand, the complement: AMMECR1 is on the minus strand). VCF-style: chrX-110264547-T-C. GRCh37 (hg19) VCF-style: chrX-109507775-T-C.
Other names: c.157A>G, p.Ile53Val (NM_001171689.2); c.474-47915A>G (NM_001025580.2); short protein forms I176V, I53V.
Identifiers: ClinVar variation 1312746 (VCV001312746.11), dbSNP rs2067757957, ClinGen allele CA414222879.

ClinVar aggregate classification (germline): Uncertain significance. Review status: criteria provided, multiple submitters, no conflicts (2 of 4 stars). 3 submissions from 3 submitters: Uncertain significance (3). Last evaluated 2025-08-24.

Allele frequency attached by ClinVar (database versions not stated): gnomAD exomes 0.00001.
gnomAD v4.1: 6 of 1,208,775 alleles (0.0005%); highest among the groups gnomAD compares: Non-Finnish European, 0.00067%; no homozygotes.

Submissions (3):

Ambry Genetics
Classification: Uncertain significance. Last evaluated: 2025-08-24. Review status: criteria provided, single submitter. Criteria: Ambry Variant Classification Scheme 2023. Collection method: clinical testing. Allele origin: germline.

CeGaT Center for Human Genetics Tuebingen
Classification: Uncertain significance. Last evaluated: 2025-07-01. Review status: criteria provided, single submitter. Criteria: CeGaT Center For Human Genetics Tuebingen Variant Classification Criteria Version 2. Collection method: clinical testing. Allele origin: germline. Affected: yes. Observed: 1 variant allele.
Comment: AMMECR1: PP3

GeneDx
Classification: Uncertain significance. Last evaluated: 2020-06-26. Review status: criteria provided, single submitter. Criteria: GeneDx Variant Classification Process June 2021. Collection method: clinical testing. Allele origin: germline. Affected: yes.
Comment: Not observed in large population cohorts (Lek et al., 2016); In silico analysis supports that this missense variant does not alter protein structure/function; Has not been previously published as pathogenic or benign to our knowledge